The following is an entry in ClinVar:

ClinVar aggregate classification (germline): Uncertain significance (1 of 4 stars; one submission).

Conditions:
Pheochromocytoma. Also called: MAX-Related Hereditary Paraganglioma-Pheochromocytoma Syndrome. Identifiers: Orphanet 29072, MedGen C0031511, MONDO:0008233, OMIM 171300, HP:0002666.
Gastrointestinal stromal tumor. Also called: Gastrointestinal stromal tumor, somatic; Gastrointestinal stroma tumor. Identifiers: Orphanet 44890, MedGen C0238198, MeSH D046152, MONDO:0011719, OMIM 606764, HP:0100723.
Pheochromocytoma/paraganglioma syndrome 4. Also called: CAROTID BODY TUMORS AND MULTIPLE EXTRAADRENAL PHEOCHROMOCYTOMAS; SDHB-Related Hereditary Paraganglioma-Pheochromocytoma Syndrome (Paragangliomas 4); Paragangliomas 4; SDHB-Related Hereditary Paraganglioma-Pheochromocytoma Syndrome; PARAGANGLIOMA, FAMILIAL MALIGNANT; PARAGANGLIOMAS, HEREDITARY EXTRAADRENAL. Identifiers: Orphanet 29072, MedGen C1861848, MONDO:0007273, OMIM 115310.

Allele frequency attached by ClinVar (database versions not stated): gnomAD exomes below 0.00001.
gnomAD v4.1: 2 of 1,614,082 alleles (0.00012%); highest among the groups gnomAD compares: East Asian, 0.0022%; no homozygotes.

Submission:

Labcorp Genetics (formerly Invitae), Labcorp
Classification: Uncertain significance for Gastrointestinal stromal tumor; Pheochromocytoma/paraganglioma syndrome 4; Pheochromocytoma. Last evaluated: 2024-10-28. Review status: criteria provided, single submitter. Criteria: Invitae Variant Classification Sherloc (09022015). Collection method: clinical testing. Allele origin: germline.
Comment: This sequence change replaces proline, which is neutral and non-polar, with leucine, which is neutral and non-polar, at codon 141 of the SDHB protein (p.Pro141Leu). This variant is not present in population databases (gnomAD no frequency). This variant has not been reported in the literature in individuals affected with SDHB-related conditions. ClinVar contains an entry for this variant (Variation ID: 1037769). An algorithm developed to predict the effect of missense changes on protein structure and function (PolyPhen-2) suggests that this variant is likely to be disruptive. In summary, the available evidence is currently insufficient to determine the role of this variant in disease. Therefore, it has been classified as a Variant of Uncertain Significance.

NM_003000.3(SDHB):c.422C>T (p.Pro141Leu)

Gene: SDHB (succinate dehydrogenase complex iron sulfur subunit B; minus strand). Cytogenetic location: 1p36.13.
Variant type: single nucleotide variant.
Coding change: c.422C>T on transcript NM_003000.3 (MANE Select); coding-DNA position 422, C replaced by T.
Protein change: p.Pro141Leu; replaces proline 141 with leucine.
Molecular consequence: missense variant.
Genome position (GRCh38, 1-based): chr1:17,028,601, G>A on the plus strand (C>T on the coding strand, the complement: SDHB is on the minus strand). VCF-style: chr1-17028601-G-A. GRCh37 (hg19) VCF-style: chr1-17355096-G-A.
Other names: short protein forms P141L.
Identifiers: ClinVar variation 1037769 (VCV001037769.5), dbSNP rs1553177734, ClinGen allele CA338273810.